The following is an entry in ClinVar:

NM_000288.4(PEX7):c.91C>T (p.Arg31Cys)

Gene: PEX7 (peroxisomal biogenesis factor 7; plus strand). Cytogenetic location: 6q23.3.
Variant type: single nucleotide variant.
Coding change: c.91C>T on transcript NM_000288.4 (MANE Select); coding-DNA position 91, C replaced by T.
Protein change: p.Arg31Cys; replaces arginine 31 with cysteine.
Molecular consequence: missense variant.
Genome position (GRCh38, 1-based): chr6:136,822,756, C>T. VCF-style: chr6-136822756-C-T. GRCh37 (hg19) VCF-style: chr6-137143894-C-T.
Other names: short protein forms R31C.
Identifiers: ClinVar variation 2120579 (VCV002120579.3), dbSNP rs1161356999, ClinGen allele CA365855333.

ClinVar aggregate classification (germline): Uncertain significance (1 of 4 stars; one submission).

Conditions:
Peroxisome biogenesis disorder 9B. Also called: PEX7-Related Refsum Disease; Refsum disease, adult, 2; PEROXISOME BIOGENESIS DISORDER, PEX7-RELATED, ATYPICAL. Identifiers: Orphanet 773, MedGen C2749346, MONDO:0013945, OMIM 614879.

gnomAD v4.1: 1 of 1,481,218 alleles (0.000068%); highest among the groups gnomAD compares: Non-Finnish European, 0.000089%; no homozygotes.

Submission:

Labcorp Genetics (formerly Invitae), Labcorp
Classification: Uncertain significance for Peroxisome biogenesis disorder 9B. Last evaluated: 2024-08-12. Review status: criteria provided, single submitter. Criteria: Invitae Variant Classification Sherloc (09022015). Collection method: clinical testing. Allele origin: germline.
Comment: This sequence change replaces arginine, which is basic and polar, with cysteine, which is neutral and slightly polar, at codon 31 of the PEX7 protein (p.Arg31Cys). The frequency data for this variant in the population databases is considered unreliable, as metrics indicate poor data quality at this position in the gnomAD database. This variant has not been reported in the literature in individuals affected with PEX7-related conditions. ClinVar contains an entry for this variant (Variation ID: 2120579). An algorithm developed to predict the effect of missense changes on protein structure and function (PolyPhen-2) suggests that this variant is likely to be disruptive. In summary, the available evidence is currently insufficient to determine the role of this variant in disease. Therefore, it has been classified as a Variant of Uncertain Significance.